The following is an entry in ClinVar:

ClinVar aggregate classification (germline): Conflicting classifications of pathogenicity. Review status: criteria provided, conflicting classifications (1 of 4 stars). 2 submissions from 2 submitters: Uncertain significance (1); Likely benign (1). Last evaluated 2025-09-02.

Conditions:
Inborn genetic diseases. Identifiers: MedGen C0950123, MeSH D030342.

Allele frequency attached by ClinVar (database versions not stated): gnomAD 0.00002.
gnomAD v4.1: 128 of 1,611,800 alleles (0.0079%); highest among the groups gnomAD compares: Non-Finnish European, 0.01%; no homozygotes.

Submissions (2):

Labcorp Genetics (formerly Invitae), Labcorp
Classification: Likely benign. Last evaluated: 2025-09-02. Review status: criteria provided, single submitter. Criteria: Invitae Variant Classification Sherloc (09022015). Collection method: clinical testing. Allele origin: germline.

Ambry Genetics
Classification: Uncertain significance for Inborn genetic diseases. Last evaluated: 2021-07-13. Review status: criteria provided, single submitter. Criteria: Ambry Variant Classification Scheme 2023. Collection method: clinical testing. Allele origin: germline.
Comment: The c.5169-4C>T intronic alteration consists of a C to T substitution 4 nucleotides before exon 24 of the TUBGCP6 gene. Based on insufficient or conflicting evidence, the clinical significance of this alteration remains unclear.

NM_020461.4(TUBGCP6):c.5169-4C>T

Gene: TUBGCP6 (tubulin gamma complex component 6; minus strand). Cytogenetic location: 22q13.33.
Variant type: single nucleotide variant.
Coding change: c.5169-4C>T on transcript NM_020461.4 (MANE Select); 4 bases into the intron before coding-DNA position 5169, C replaced by T.
Molecular consequence: intron variant.
Genome position (GRCh38, 1-based): chr22:50,218,121, G>A on the plus strand (C>T on the coding strand, the complement: TUBGCP6 is on the minus strand). VCF-style: chr22-50218121-G-A. GRCh37 (hg19) VCF-style: chr22-50656550-G-A.
Identifiers: ClinVar variation 2233966 (VCV002233966.4), dbSNP rs748450888, ClinGen allele CA10307135.
Genomic context (GRCh38, chr22:50,218,121, plus strand): 5'-CTGAAGATGCTGTGGATGACGTTCATGACGGGCGCCGCCTTCTCCGTGAGCAGGCCCCTG[G>A]GGGGAAGCAGTGCTGCTGGGTGGGCTGAGCCGTGACCACAGGGACGCAGCCGCTGCCCAG-3'